The following is an entry in ClinVar:

NM_177438.3(DICER1):c.3288_3289insTTTC (p.Gly1097fs)

Gene: DICER1 (dicer 1, ribonuclease III; minus strand). Cytogenetic location: 14q32.13.
Variant type: Insertion.
Coding change: c.3288_3289insTTTC on transcript NM_177438.3 (MANE Select); coding-DNA positions 3288 to 3289, TTTC inserted.
Protein change: p.Gly1097fs; shifts the reading frame from glycine 1097.
Molecular consequence: frameshift variant.
Genome position: GRCh38 VCF-style: chr14-95104107-C-CGAAA. GRCh37 (hg19) VCF-style: chr14-95570444-C-CGAAA.
Other names: c.3288_3289insTTTC, p.Gly1097fs (NM_001195573.1, NM_001271282.3, NM_001291628.2 and 1 more transcripts); short protein forms G1097fs.
Identifiers: ClinVar variation 932979 (VCV000932979.3), dbSNP rs1891196015, ClinGen allele CA1139663635.

ClinVar aggregate classification (germline): Pathogenic (1 of 4 stars; one submission).

Conditions:
DICER1-related tumor predisposition. Also called: DICER1-related pleuropulmonary blastoma cancer predisposition syndrome; DICER1 syndrome. Identifiers: Orphanet 284343, MedGen C3839822, MONDO:0100216.

Submission:

Foulkes Cancer Genetics LDI, Lady Davis Institute for Medical Research
Classification: Pathogenic for Pleuropulmonary blastoma. Last evaluated: 2019-07-01. Review status: criteria provided, single submitter. Criteria: ACMG Guidelines, 2015. Collection method: curation. Allele origin: germline. Affected: yes. Observed: 1 variant allele.
Comment: ACMG criteria met: PVS1, PM2, PP4

Literature cited by the submitters: PubMed 21266384.